The following is an entry in ClinVar:

ClinVar aggregate classification (germline): Uncertain significance. Review status: criteria provided, multiple submitters, no conflicts (2 of 4 stars). 5 submissions from 5 submitters: Uncertain significance (5). Last evaluated 2025-07-21.

Conditions:
Sessile serrated polyposis cancer syndrome (SSPCS). Identifiers: Orphanet 157798, MedGen C4310714, MONDO:0014919, OMIM 617108.

Allele frequency attached by ClinVar (database versions not stated): gnomAD 0.00001; TOPMed 0.00001; ExAC 0.00003; gnomAD exomes 0.00003.
gnomAD v4.1: 18 of 1,612,992 alleles (0.0011%); highest among the groups gnomAD compares: Middle Eastern, 0.066%; no homozygotes.

Submissions (5):

Labcorp Genetics (formerly Invitae), Labcorp
Classification: Uncertain significance. Last evaluated: 2025-07-21. Review status: criteria provided, single submitter. Criteria: Invitae Variant Classification Sherloc (09022015). Collection method: clinical testing. Allele origin: germline.
Comment: This sequence change replaces arginine, which is basic and polar, with cysteine, which is neutral and slightly polar, at codon 552 of the RNF43 protein (p.Arg552Cys). This variant is present in population databases (rs746033324, gnomAD 0.006%). This variant has not been reported in the literature in individuals affected with RNF43-related conditions. ClinVar contains an entry for this variant (Variation ID: 1431984). An algorithm developed to predict the effect of missense changes on protein structure and function (PolyPhen-2) suggests that this variant is likely to be disruptive. In summary, the available evidence is currently insufficient to determine the role of this variant in disease. Therefore, it has been classified as a Variant of Uncertain Significance.

Center for Genomic Medicine, Rigshospitalet, Copenhagen University Hospital
Classification: Uncertain significance. Last evaluated: 2025-03-04. Review status: criteria provided, single submitter. Criteria: ACMG Guidelines, 2015. Collection method: clinical testing. Allele origin: germline.

Ambry Genetics
Classification: Uncertain significance. Last evaluated: 2025-01-27. Review status: criteria provided, single submitter. Criteria: Ambry Variant Classification Scheme 2023. Collection method: clinical testing. Allele origin: germline.

GeneDx
Classification: Uncertain significance. Last evaluated: 2024-12-13. Review status: criteria provided, single submitter. Criteria: GeneDx Variant Classification Process June 2021. Collection method: clinical testing. Allele origin: germline.
Comment: In silico analysis indicates that this missense variant does not alter protein structure/function; Has not been previously published as pathogenic or benign to our knowledge; This variant is associated with the following publications: (PMID: 38058823)

Baylor Genetics
Classification: Uncertain significance for Sessile serrated polyposis cancer syndrome. Last evaluated: 2023-06-26. Review status: criteria provided, single submitter. Criteria: ACMG Guidelines, 2015. Collection method: clinical testing. Allele origin: unknown.

NM_017763.6(RNF43):c.1654C>T (p.Arg552Cys)

Gene: RNF43 (ring finger protein 43; minus strand). Cytogenetic location: 17q22.
Variant type: single nucleotide variant.
Coding change: c.1654C>T on transcript NM_017763.6 (MANE Select); coding-DNA position 1654, C replaced by T.
Protein change: p.Arg552Cys; replaces arginine 552 with cysteine.
Molecular consequence: missense variant.
Genome position (GRCh38, 1-based): chr17:58,358,122, G>A on the plus strand (C>T on the coding strand, the complement: RNF43 is on the minus strand). VCF-style: chr17-58358122-G-A. GRCh37 (hg19) VCF-style: chr17-56435483-G-A.
Other names: c.1654C>T (NM_017763.4); c.1654C>T, p.Arg552Cys (NM_001305544.3); c.1273C>T, p.Arg425Cys (NM_001305545.2); short protein forms R552C, R425C.
Identifiers: ClinVar variation 1431984 (VCV001431984.16), dbSNP rs746033324, ClinGen allele CA8673139.